The following is an entry in ClinVar:

ClinVar aggregate classification (germline): Conflicting classifications of pathogenicity. Review status: criteria provided, conflicting classifications (1 of 4 stars). 11 submissions from 11 submitters: Uncertain significance (1); Benign (2); Likely benign (7). 1 of the submissions does not count toward it. Last evaluated 2026-01-28.

Conditions:
Cardiovascular phenotype. Identifiers: MedGen CN230736.
ABCG8-related disorder. Also called: ABCG8-related condition.
Gallbladder disease 4 (GBD4). Identifiers: MedGen C1969115, MONDO:1010151, OMIM 611465.
Sitosterolemia 1. Identifiers: MedGen C2749759, MONDO:0020747, OMIM 210250.

Allele frequency attached by ClinVar (database versions not stated): 1000 Genomes Project 0.00240; 1000 Genomes Project 30x 0.00265; ESP Exome Variant Server 0.00369; gnomAD 0.00210 and 0.00232; TOPMed 0.00237.
gnomAD v4.1: 699 of 1,614,230 alleles (0.043%); highest among the groups gnomAD compares: African/African-American, 0.81%; no homozygotes.

Submissions (11):

Labcorp Genetics (formerly Invitae), Labcorp
Classification: Benign. Last evaluated: 2026-01-28. Review status: criteria provided, single submitter. Criteria: Invitae Variant Classification Sherloc (09022015). Collection method: clinical testing. Allele origin: germline.

Mayo Clinic Laboratories, Mayo Clinic
Classification: Uncertain significance. Last evaluated: 2025-05-16. Review status: criteria provided, single submitter. Criteria: ACMG Guidelines, 2015. Collection method: clinical testing. Allele origin: germline. Observed: 7 variant alleles.
Comment: BS1, PM1_supporting

Blueprint Genetics
Classification: Likely benign. Last evaluated: 2024-11-19. Review status: criteria provided, single submitter. Criteria: ACMG Guidelines, 2015. Collection method: clinical testing. Allele origin: germline.

Women's Health and Genetics/Laboratory Corporation of America, LabCorp
Classification: Likely benign. Last evaluated: 2024-08-08. Review status: criteria provided, single submitter. Criteria: LabCorp Variant Classification Summary - May 2015. Collection method: clinical testing. Allele origin: germline.
Comment: Variant summary: ABCG8 c.491G>A (p.Arg164Gln) results in a conservative amino acid change located in the ABC transporter-like, ATP-binding domain (IPR003439) of the encoded protein sequence. Four of five in-silico tools predict a damaging effect of the variant on protein function. The variant allele was found at a frequency of 0.00062 in 250752 control chromosomes, predominantly at a frequency of 0.0085 within the African or African-American subpopulation in the gnomAD database, including 1 homozygotes. The observed variant frequency within African or African-American control individuals in the gnomAD database is approximately 2-fold of the estimated maximal expected allele frequency for a pathogenic variant in ABCG8 causing Early Onset Coronary Artery Disease phenotype (0.005). To our knowledge, no occurrence of c.491G>A in individuals affected with Early Onset Coronary Artery Disease and no experimental evidence demonstrating its impact on protein function have been reported. ClinVar contains an entry for this variant (Variation ID: 288464). Based on the evidence outlined above, the variant was classified as likely benign.

Revvity Omics, Revvity
Classification: Likely benign for Sitosterolemia 1. Last evaluated: 2023-03-30. Review status: criteria provided, single submitter. Criteria: ACMG Guidelines, 2015. Collection method: clinical testing. Allele origin: germline.

Fulgent Genetics
Classification: Likely benign for Sitosterolemia 1; Gallbladder disease 4. Last evaluated: 2021-11-02. Review status: criteria provided, single submitter. Criteria: ACMG Guidelines, 2015. Collection method: clinical testing. Allele origin: unknown.

Ambry Genetics
Classification: Likely benign for Cardiovascular phenotype. Last evaluated: 2020-03-19. Review status: criteria provided, single submitter. Criteria: Ambry Variant Classification Scheme 2023. Collection method: clinical testing. Allele origin: germline.

Illumina Laboratory Services, Illumina
Classification: Likely benign for Sitosterolemia 1. Last evaluated: 2017-04-27. Review status: criteria provided, single submitter. Criteria: ICSL Variant Classification Criteria 13 December 2019. Collection method: clinical testing. Allele origin: germline.
Comment: This variant was observed as part of a predisposition screen in an ostensibly healthy population. A literature search was performed for the gene, cDNA change, and amino acid change (where applicable). No publications were found based on this search. Allele frequency data from public databases allowed determination this variant is unlikely to cause disease. Therefore, this variant is classified as likely benign.

Eurofins Ntd Llc (ga)
Classification: Benign. Last evaluated: 2016-06-01. Review status: criteria provided, single submitter. Criteria: EGL Classification Definitions 2015. Collection method: clinical testing. Allele origin: germline. Observed: 1 variant allele, 1 heterozygote.

Breakthrough Genomics
Classification: Likely benign. Review status: criteria provided, single submitter. Criteria: ACMG Guidelines, 2015. Collection method: not provided. Allele origin: germline. Inheritance: Autosomal recessive inheritance. Affected: yes.

PreventionGenetics, part of Exact Sciences
Classification: Benign for ABCG8-related condition. Last evaluated: 2019-06-05. Review status: no assertion criteria provided. Collection method: clinical testing. Allele origin: germline. Not counted in ClinVar's aggregate classification.
Comment: This variant is classified as benign based on ACMG/AMP sequence variant interpretation guidelines (Richards et al. 2015 PMID: 25741868, with internal and published modifications).

NM_022437.3(ABCG8):c.491G>A (p.Arg164Gln)

Gene: ABCG8 (ATP binding cassette subfamily G member 8; plus strand). Cytogenetic location: 2p21.
Variant type: single nucleotide variant.
Coding change: c.491G>A on transcript NM_022437.3 (MANE Select); coding-DNA position 491, G replaced by A.
Protein change: p.Arg164Gln; replaces arginine 164 with glutamine.
Molecular consequence: missense variant.
Genome position (GRCh38, 1-based): chr2:43,851,752, G>A. VCF-style: chr2-43851752-G-A. GRCh37 (hg19) VCF-style: chr2-44078891-G-A.
Other names: p.Arg164Gln; c.491G>A, p.Arg164Gln (NM_001357321.2); short protein forms R164Q.
Identifiers: ClinVar variation 288464 (VCV000288464.29), dbSNP rs74358901, ClinGen allele CA1637032.
Genomic context (GRCh38, chr2:43,851,752, plus strand): 5'-TGAGGAAGTGTGTGGCCCACGTGCGCCAGCACAACCAGCTGCTCCCCAACTTGACTGTGC[G>A]AGAGACCTTGGCCTTCATTGCCCAGATGCGGCTGCCCAGAACCTTCTCCCAGGCCCAGCG-3'
Protein context (NP_071882.1, residues 154-174): HNQLLPNLTV[Arg164Gln]ETLAFIAQMR